The following is an entry in ClinVar:

ClinVar aggregate classification (germline): Likely pathogenic (1 of 4 stars; one submission).

Conditions:
CLCN5-related disorder. Also called: CLCN5-related condition.

Submission:

3billion
Classification: Likely pathogenic for CLCN5-related disorder. Last evaluated: 2025-11-06. Review status: criteria provided, single submitter. Criteria: ACMG Guidelines, 2015. Collection method: clinical testing. Allele origin: germline. Affected: yes.
Comment: The variant is not observed in the gnomAD v4.1.0 dataset. Predicted Consequence/Location: Frameshift: predicted to result in a loss or disruption of normal protein function through nonsense-mediated decay (NMD) or protein truncation. Multiple pathogenic variants are reported downstream of the variant. Therefore, this variant is classified as Likely pathogenic according to the recommendation of ACMG/AMP guideline.

NM_001127898.4(CLCN5):c.606del (p.Ala203fs)

Gene: CLCN5 (Cl-/H+ antiporter 5; plus strand). Cytogenetic location: Xp11.23.
Variant type: Deletion.
Coding change: c.606del on transcript NM_001127898.4 (MANE Select); coding-DNA position 606, one base deleted (A; older notation c.606delA).
Protein change: p.Ala203fs; shifts the reading frame from alanine 203.
Molecular consequence: frameshift variant. On other transcripts: non-coding transcript variant (1).
Genome position (GRCh38, 1-based): chrX:50,080,596, A deleted. VCF-style (leftmost placement, unchanged base first): chrX-50080595-GA-G. GRCh37 (hg19) VCF-style: chrX-49845252-GA-G.
Other names: c.396del, p.Ala133fs (NM_000084.5); c.606del, p.Ala203fs (NM_001127899.4); c.456del, p.Ala153fs (NM_001282163.2); c.618del, p.Ala207fs (NM_001440756.1, NM_001440757.1); short protein forms A133fs, A153fs, A203fs, A207fs.
Identifiers: ClinVar variation 4856206 (VCV004856206.1).